The following is an entry in ClinVar:

NM_001567.4(INPPL1):c.890C>T (p.Pro297Leu)

Gene: INPPL1 (inositol polyphosphate phosphatase like 1; plus strand). Cytogenetic location: 11q13.4.
Variant type: single nucleotide variant.
Coding change: c.890C>T on transcript NM_001567.4 (MANE Select); coding-DNA position 890, C replaced by T.
Protein change: p.Pro297Leu; replaces proline 297 with leucine.
Molecular consequence: missense variant.
Genome position (GRCh38, 1-based): chr11:72,229,970, C>T. VCF-style: chr11-72229970-C-T. GRCh37 (hg19) VCF-style: chr11-71941014-C-T.
Other names: short protein forms P297L.
Identifiers: ClinVar variation 1040904 (VCV001040904.6), dbSNP rs202155977, ClinGen allele CA6169825.

ClinVar aggregate classification (germline): Uncertain significance (1 of 4 stars; one submission).

Allele frequency attached by ClinVar (database versions not stated): gnomAD exomes 0.00006 and 0.00003; ExAC 0.00007; 1000 Genomes Project 0.00020; 1000 Genomes Project 30x 0.00031; TOPMed 0.00037; ESP Exome Variant Server 0.00039; gnomAD 0.00042 and 0.00048.

Submission:

Labcorp Genetics (formerly Invitae), Labcorp
Classification: Uncertain significance. Last evaluated: 2022-09-26. Review status: criteria provided, single submitter. Criteria: Invitae Variant Classification Sherloc (09022015). Collection method: clinical testing. Allele origin: germline.
Comment: This sequence change replaces proline, which is neutral and non-polar, with leucine, which is neutral and non-polar, at codon 297 of the INPPL1 protein (p.Pro297Leu). This variant is present in population databases (rs202155977, gnomAD 0.1%). This variant has not been reported in the literature in individuals affected with INPPL1-related conditions. ClinVar contains an entry for this variant (Variation ID: 1040904). Algorithms developed to predict the effect of missense changes on protein structure and function output the following: SIFT: "Tolerated"; PolyPhen-2: "Benign"; Align-GVGD: "Class C0". The leucine amino acid residue is found in multiple mammalian species, which suggests that this missense change does not adversely affect protein function. In summary, the available evidence is currently insufficient to determine the role of this variant in disease. Therefore, it has been classified as a Variant of Uncertain Significance.